The following is an entry in ClinVar:

ClinVar aggregate classification (germline): Pathogenic/Likely pathogenic. Review status: criteria provided, multiple submitters, no conflicts (2 of 4 stars). 6 submissions from 6 submitters: Pathogenic (2); Likely pathogenic (4). Last evaluated 2025-02-24.

Conditions:
SGSH-related disorder. Also called: SGSH-related condition.
Mucopolysaccharidosis, MPS-III-A (MPS3A). Also called: HEPARAN SULFATE SULFATASE DEFICIENCY; Mucopolysaccharidosis type IIIA (Sanfilippo A); SANFILIPPO SYNDROME A; SULFAMIDASE DEFICIENCY; MPS III A; MUCOPOLYSACCHARIDOSIS, TYPE IIIA, ATTENUATED. Identifiers: Orphanet 581, Orphanet 79269, MedGen C0086647, MONDO:0009655, OMIM 252900.

Allele frequency attached by ClinVar (database versions not stated): gnomAD exomes below 0.00001.
gnomAD v4.1: 1 of 1,604,176 alleles (0.000062%); highest among the groups gnomAD compares: Non-Finnish European, 0.000085%; no homozygotes.

Submissions (6):

Labcorp Genetics (formerly Invitae), Labcorp
Classification: Pathogenic for Mucopolysaccharidosis, MPS-III-A. Last evaluated: 2025-02-24. Review status: criteria provided, single submitter. Criteria: Invitae Variant Classification Sherloc (09022015). Collection method: clinical testing. Allele origin: germline.
Comment: This sequence change replaces arginine, which is basic and polar, with cysteine, which is neutral and slightly polar, at codon 245 of the SGSH protein (p.Arg245Cys). This variant is not present in population databases (gnomAD no frequency). This missense change has been observed in individual(s) with clinical features of mucopolysaccharidosis and/or mucopolysaccharidosis type IIIA (PMID: 34991944; internal data). In at least one individual the data is consistent with being in trans (on the opposite chromosome) from a pathogenic variant. ClinVar contains an entry for this variant (Variation ID: 1325064). Invitae Evidence Modeling of protein sequence and biophysical properties (such as structural, functional, and spatial information, amino acid conservation, physicochemical variation, residue mobility, and thermodynamic stability) indicates that this missense variant is expected to disrupt SGSH protein function with a positive predictive value of 95%. This variant disrupts the p.Arg245 amino acid residue in SGSH. Other variant(s) that disrupt this residue have been determined to be pathogenic (PMID: 9158154, 9700599, 10601282, 15146460, 21061399, 22976768, 26331342). This suggests that this residue is clinically significant, and that variants that disrupt this residue are likely to be disease-causing. For these reasons, this variant has been classified as Pathogenic.

Fulgent Genetics
Classification: Likely pathogenic for Mucopolysaccharidosis, MPS-III-A. Last evaluated: 2024-03-23. Review status: criteria provided, single submitter. Criteria: ACMG Guidelines, 2015. Collection method: clinical testing. Allele origin: germline.

Baylor Genetics
Classification: Likely pathogenic for Mucopolysaccharidosis, MPS-III-A. Last evaluated: 2024-01-29. Review status: criteria provided, single submitter. Criteria: ACMG Guidelines, 2015. Collection method: clinical testing. Allele origin: unknown.

Blueprint Genetics
Classification: Likely pathogenic for SGSH-related disorders. Last evaluated: 2022-06-08. Review status: criteria provided, single submitter. Criteria: ACMG Guidelines, 2015. Collection method: clinical testing. Allele origin: germline. Affected: yes. Observed: 1 variant allele.

Genetics and Molecular Pathology, SA Pathology
Classification: Likely pathogenic for Mucopolysaccharidosis, MPS-III-A. Last evaluated: 2020-03-27. Review status: criteria provided, single submitter. Criteria: ACMG Guidelines, 2015. Collection method: clinical testing. Allele origin: germline. Affected: yes.
Comment: PM1, PM2, PM5

Kariminejad - Najmabadi Pathology & Genetics Center
Classification: Pathogenic for Mucopolysaccharidosis, MPS-III-A. Review status: criteria provided, single submitter. Criteria: ACMG Guidelines, 2015. Collection method: clinical testing. Allele origin: germline. Affected: no.

Literature cited by the submitters: PubMed 34991944 (cited by Labcorp Genetics (formerly Invitae), Labcorp); PubMed 9158154 (cited by Labcorp Genetics (formerly Invitae), Labcorp); PubMed 9700599 (cited by Labcorp Genetics (formerly Invitae), Labcorp); PubMed 10601282 (cited by Labcorp Genetics (formerly Invitae), Labcorp); PubMed 15146460 (cited by Labcorp Genetics (formerly Invitae), Labcorp); PubMed 21061399 (cited by Labcorp Genetics (formerly Invitae), Labcorp); PubMed 22976768 (cited by Labcorp Genetics (formerly Invitae), Labcorp); PubMed 26331342 (cited by Labcorp Genetics (formerly Invitae), Labcorp).

NM_000199.5(SGSH):c.733C>T (p.Arg245Cys)

Gene: SGSH (N-sulfoglucosamine sulfohydrolase; minus strand). Cytogenetic location: 17q25.3.
Variant type: single nucleotide variant.
Coding change: c.733C>T on transcript NM_000199.5 (MANE Select); coding-DNA position 733, C replaced by T.
Protein change: p.Arg245Cys; replaces arginine 245 with cysteine.
Molecular consequence: missense variant. On other transcripts: non-coding transcript variant (1).
Genome position (GRCh38, 1-based): chr17:80,213,816, G>A on the plus strand (C>T on the coding strand, the complement: SGSH is on the minus strand). VCF-style: chr17-80213816-G-A. GRCh37 (hg19) VCF-style: chr17-78187615-G-A.
Other names: c.733C>T (NM_000199.4); c.733C>T, p.Arg245Cys (NM_001352921.3, NM_001352922.2); short protein forms R245C.
Identifiers: ClinVar variation 1325064 (VCV001325064.15), dbSNP rs1455698449, ClinGen allele CA401361136.